The following is an entry in ClinVar:

NM_000254.3(MTR):c.1657T>C (p.Tyr553His)

Gene: MTR (5-methyltetrahydrofolate-homocysteine methyltransferase; plus strand). Cytogenetic location: 1q43.
Variant type: single nucleotide variant.
Coding change: c.1657T>C on transcript NM_000254.3 (MANE Select); coding-DNA position 1657, T replaced by C.
Protein change: p.Tyr553His; replaces tyrosine 553 with histidine.
Molecular consequence: missense variant.
Genome position (GRCh38, 1-based): chr1:236,850,485, T>C. VCF-style: chr1-236850485-T-C. GRCh37 (hg19) VCF-style: chr1-237013785-T-C.
Other names: c.1657T>C, p.Tyr553His (NM_001291939.1); c.436T>C, p.Tyr146His (NM_001291940.2); short protein forms Y146H, Y553H.
Identifiers: ClinVar variation 1482389 (VCV001482389.5), dbSNP rs767156705, ClinGen allele CA1474135.

ClinVar aggregate classification (germline): Uncertain significance (1 of 4 stars; one submission).

Conditions:
Methylcobalamin deficiency type cblG (HMAG). Also called: HOMOCYSTINURIA-MEGALOBLASTIC ANEMIA, cblG COMPLEMENTATION TYPE; HOMOCYSTINURIA-MEGALOBLASTIC ANEMIA, cblG TYPE; Functional methionine synthase deficiency type cblG; HOMOCYSTINURIA-MEGALOBLASTIC ANEMIA DUE TO DEFECT IN COBALAMIN METABOLISM, cblG COMPLEMENTATION TYPE. Identifiers: Orphanet 2170, Orphanet 622, MedGen C1855128, MONDO:0009609, OMIM 250940.

Allele frequency attached by ClinVar (database versions not stated): ExAC 0.00001; gnomAD exomes 0.00001.
gnomAD v4.1: 9 of 1,613,836 alleles (0.00056%); highest among the groups gnomAD compares: South Asian, 0.0099%; no homozygotes.

Submission:

Labcorp Genetics (formerly Invitae), Labcorp
Classification: Uncertain significance for Methylcobalamin deficiency type cblG. Last evaluated: 2021-08-31. Review status: criteria provided, single submitter. Criteria: Invitae Variant Classification Sherloc (09022015). Collection method: clinical testing. Allele origin: germline.
Comment: This sequence change replaces tyrosine with histidine at codon 553 of the MTR protein (p.Tyr553His). The tyrosine residue is highly conserved and there is a moderate physicochemical difference between tyrosine and histidine. This variant is present in population databases (rs767156705, ExAC 0.006%). This variant has not been reported in the literature in individuals affected with MTR-related conditions. Algorithms developed to predict the effect of missense changes on protein structure and function (SIFT, PolyPhen-2, Align-GVGD) all suggest that this variant is likely to be disruptive. In summary, the available evidence is currently insufficient to determine the role of this variant in disease. Therefore, it has been classified as a Variant of Uncertain Significance.